The following is an entry in ClinVar:

NM_001378454.1(ALMS1):c.5447A>G (p.Tyr1816Cys)

Gene: ALMS1 (ALMS1 centrosome and basal body associated protein; plus strand). Cytogenetic location: 2p13.1.
Variant type: single nucleotide variant.
Coding change: c.5447A>G on transcript NM_001378454.1 (MANE Select); coding-DNA position 5447, A replaced by G.
Protein change: p.Tyr1816Cys; replaces tyrosine 1816 with cysteine.
Molecular consequence: missense variant.
Genome position (GRCh38, 1-based): chr2:73,451,974, A>G. VCF-style: chr2-73451974-A-G. GRCh37 (hg19) VCF-style: chr2-73679101-A-G.
Other names: c.5450A>G, p.Tyr1817Cys (NM_015120.4); short protein forms Y1817C, Y1816C.
Identifiers: ClinVar variation 698367 (VCV000698367.15), dbSNP rs780110659, ClinGen allele CA1713884.

ClinVar aggregate classification (germline): Conflicting classifications of pathogenicity. Review status: criteria provided, conflicting classifications (1 of 4 stars). 4 submissions from 4 submitters: Uncertain significance (3); Likely benign (1). Last evaluated 2026-10-07.

Conditions:
Alstrom syndrome (ALMS). Identifiers: Orphanet 64, MedGen C0268425, MONDO:0008763, OMIM 203800.
Cardiovascular phenotype. Identifiers: MedGen CN230736.

Allele frequency attached by ClinVar (database versions not stated): gnomAD exomes 0.00001 and 0.00003; ExAC 0.00004; gnomAD 0.00005; TOPMed 0.00005.
gnomAD v4.1: 24 of 1,613,582 alleles (0.0015%); highest among the groups gnomAD compares: Admixed American, 0.018%; no homozygotes.

Submissions (4):

GeneDx
Classification: Uncertain significance. Last evaluated: 2026-10-07. Review status: criteria provided, single submitter. Criteria: GeneDx Variant Classification Process June 2021. Collection method: clinical testing. Allele origin: germline.
Comment: In silico analysis supports that this missense variant has a deleterious effect on protein structure/function; Has not been previously published as pathogenic or benign to our knowledge

Labcorp Genetics (formerly Invitae), Labcorp
Classification: Likely benign for Alstrom syndrome. Last evaluated: 2025-12-15. Review status: criteria provided, single submitter. Criteria: Invitae Variant Classification Sherloc (09022015). Collection method: clinical testing. Allele origin: germline.

Ambry Genetics
Classification: Uncertain significance for Cardiovascular phenotype. Last evaluated: 2025-03-07. Review status: criteria provided, single submitter. Criteria: Ambry Variant Classification Scheme 2023. Collection method: clinical testing. Allele origin: germline.
Comment: The p.Y1817C variant (also known as c.5450A>G), located in coding exon 8 of the ALMS1 gene, results from an A to G substitution at nucleotide position 5450. The tyrosine at codon 1817 is replaced by cysteine, an amino acid with highly dissimilar properties. This amino acid position is well conserved in available vertebrate species. In addition, the in silico prediction for this alteration is inconclusive. Based on the available evidence, the clinical significance of this variant remains unclear.

Women's Health and Genetics/Laboratory Corporation of America, LabCorp
Classification: Uncertain significance. Last evaluated: 2022-01-02. Review status: criteria provided, single submitter. Criteria: LabCorp Variant Classification Summary - May 2015. Collection method: clinical testing. Allele origin: germline.